The following is an entry in ClinVar:

NM_020911.2(PLXNA4):c.4421T>C (p.Ile1474Thr)

Gene: PLXNA4 (plexin A4; minus strand). Cytogenetic location: 7q32.3.
Variant type: single nucleotide variant.
Coding change: c.4421T>C on transcript NM_020911.2 (MANE Select); coding-DNA position 4421, T replaced by C.
Protein change: p.Ile1474Thr; replaces isoleucine 1474 with threonine.
Molecular consequence: missense variant.
Genome position (GRCh38, 1-based): chr7:132,164,221, A>G on the plus strand (T>C on the coding strand, the complement: PLXNA4 is on the minus strand). VCF-style: chr7-132164221-A-G. GRCh37 (hg19) VCF-style: chr7-131848980-A-G.
Other names: c.4421T>C, p.Ile1474Thr (NM_001393897.1); short protein forms I1474T.
Identifiers: ClinVar variation 3353734 (VCV003353734.1).

ClinVar aggregate classification (germline): Uncertain significance (0 of 4 stars; one submission).

Conditions:
PLXNA4-related disorder. Also called: PLXNA4-related condition.

gnomAD v4.1: 19 of 1,614,262 alleles (0.0012%); highest among the groups gnomAD compares: Admixed American, 0.0033%; no homozygotes.

Submission:

PreventionGenetics, part of Exact Sciences
Classification: Uncertain significance for PLXNA4-related condition. Last evaluated: 2024-05-03. Review status: no assertion criteria provided. Collection method: clinical testing. Allele origin: germline.
Comment: The PLXNA4 c.4421T>C variant is predicted to result in the amino acid substitution p.Ile1474Thr. To our knowledge, this variant has not been reported in the literature. This variant is reported in 0.0058% of alleles in individuals of Latino descent in gnomAD. At this time, the clinical significance of this variant is uncertain due to the absence of conclusive functional and genetic evidence.